The following is an entry in ClinVar:

ClinVar aggregate classification (germline): Uncertain significance (1 of 4 stars; one submission).

Conditions:
Hemochromatosis type 4 (HFE4). Also called: Ferroportin disease; HEMOCHROMATOSIS DUE TO DEFECT IN FERROPORTIN; HEMOCHROMATOSIS, AUTOSOMAL DOMINANT. Identifiers: Orphanet 139491, Orphanet 647834, Orphanet 648562, MedGen C1853733, MONDO:0011631, OMIM 606069.

Submission:

Labcorp Genetics (formerly Invitae), Labcorp
Classification: Uncertain significance for Hemochromatosis type 4. Last evaluated: 2025-07-20. Review status: criteria provided, single submitter. Criteria: Invitae Variant Classification Sherloc (09022015). Collection method: clinical testing. Allele origin: germline.
Comment: This sequence change replaces threonine, which is neutral and polar, with alanine, which is neutral and non-polar, at codon 61 of the SLC40A1 protein (p.Thr61Ala). This variant is not present in population databases (gnomAD no frequency). This variant has not been reported in the literature in individuals affected with SLC40A1-related conditions. Invitae Evidence Modeling of protein sequence and biophysical properties (such as structural, functional, and spatial information, amino acid conservation, physicochemical variation, residue mobility, and thermodynamic stability) has been performed for this missense variant. However, the output from this modeling did not meet the statistical confidence thresholds required to predict the impact of this variant on SLC40A1 protein function. In summary, the available evidence is currently insufficient to determine the role of this variant in disease. Therefore, it has been classified as a Variant of Uncertain Significance.

NM_014585.6(SLC40A1):c.181A>G (p.Thr61Ala)

Gene: SLC40A1 (solute carrier family 40 member 1; minus strand). Cytogenetic location: 2q32.2.
Variant type: single nucleotide variant.
Coding change: c.181A>G on transcript NM_014585.6 (MANE Select); coding-DNA position 181, A replaced by G.
Protein change: p.Thr61Ala; replaces threonine 61 with alanine.
Molecular consequence: missense variant.
Genome position (GRCh38, 1-based): chr2:189,575,251, T>C on the plus strand (A>G on the coding strand, the complement: SLC40A1 is on the minus strand). VCF-style: chr2-189575251-T-C. GRCh37 (hg19) VCF-style: chr2-190439977-T-C.
Other names: short protein forms T61A.
Identifiers: ClinVar variation 4706355 (VCV004706355.1).